The following is an entry in ClinVar:

ClinVar aggregate classification (germline): Uncertain significance. Review status: criteria provided, multiple submitters, no conflicts (2 of 4 stars). 3 submissions from 3 submitters: Uncertain significance (3). Last evaluated 2025-11-03.

Conditions:
Hereditary cancer-predisposing syndrome. Also called: Hereditary neoplastic syndrome; Hereditary Cancer Syndrome; Neoplastic Syndromes, Hereditary; Tumor predisposition. Identifiers: Orphanet 140162, MedGen C0027672, MeSH D009386, MONDO:0015356.
Hereditary breast ovarian cancer syndrome. Also called: Hereditary breast and ovarian cancer syndrome; Hereditary breast and ovarian cancer syndrome (HBOC); Breast and ovarian cancer; Hereditary breast and/or ovarian cancer syndrome; Hereditary breast and ovarian cancer; BRCA1- and BRCA2-Associated Hereditary Breast and Ovarian Cancer. Identifiers: Orphanet 145, MedGen C0677776, MeSH D061325, MONDO:0003582. Disease mechanism: loss of function.

Allele frequency attached by ClinVar (database versions not stated): gnomAD exomes below 0.00001 and 0.00001; ExAC 0.00001; gnomAD 0.00001; 1000 Genomes Project 30x 0.00016; 1000 Genomes Project 0.00020.
gnomAD v4.1: 2 of 1,614,142 alleles (0.00012%); highest among the groups gnomAD compares: East Asian, 0.0022%; no homozygotes.

Submissions (3):

Ambry Genetics
Classification: Uncertain significance for Hereditary cancer-predisposing syndrome. Last evaluated: 2025-11-03. Review status: criteria provided, single submitter. Criteria: Ambry Variant Classification Scheme 2023. Collection method: clinical testing. Allele origin: germline.
Comment: The p.V2687A variant (also known as c.8060T>C), located in coding exon 17 of the BRCA2 gene, results from a T to C substitution at nucleotide position 8060. The valine at codon 2687 is replaced by alanine, an amino acid with similar properties. Two saturation genome editing-based studies, including a haploid cell-survival assay and a humanized mouse embryonic stem cell line assay of drug response and survival, demonstrate that this nucleotide substitution is functional(Huang H et al. Nature. 2025 Feb;638(8050):528-537; Sahu S et al. Nature. 2025 Feb;638(8050):538-545). However, based on in silico and modeling tools, this alteration is expected to be worse than other likely pathogenic substitutions at this same amino acid (Ambry internal data). This amino acid position is well conserved in available vertebrate species. In addition, this alteration is predicted to be deleterious by in silico analysis. Based on the available evidence, the clinical significance of this variant remains unclear.

Labcorp Genetics (formerly Invitae), Labcorp
Classification: Uncertain significance for Hereditary breast ovarian cancer syndrome. Last evaluated: 2025-06-06. Review status: criteria provided, single submitter. Criteria: Invitae Variant Classification Sherloc (09022015). Collection method: clinical testing. Allele origin: germline.
Comment: This sequence change replaces valine, which is neutral and non-polar, with alanine, which is neutral and non-polar, at codon 2687 of the BRCA2 protein (p.Val2687Ala). This variant is present in population databases (rs374625452, gnomAD 0.007%). This missense change has been observed in individual(s) with breast and/or ovarian cancer (PMID: 32068069). ClinVar contains an entry for this variant (Variation ID: 230057). Invitae Evidence Modeling of protein sequence and biophysical properties (such as structural, functional, and spatial information, amino acid conservation, physicochemical variation, residue mobility, and thermodynamic stability) indicates that this missense variant is not expected to disrupt BRCA2 protein function with a negative predictive value of 95%. In summary, the available evidence is currently insufficient to determine the role of this variant in disease. Therefore, it has been classified as a Variant of Uncertain Significance.

Color Diagnostics, LLC DBA Color Health
Classification: Uncertain significance for Hereditary cancer-predisposing syndrome. Last evaluated: 2023-06-14. Review status: criteria provided, single submitter. Criteria: ACMG Guidelines, 2015. Collection method: clinical testing. Allele origin: germline.
Comment: This missense variant replaces valine with alanine at codon 2687 of the BRCA2 protein. Computational prediction suggests that this variant may have deleterious impact on protein structure and function (internally defined REVEL score threshold >= 0.7, PMID: 27666373). To our knowledge, functional studies have not been reported for this variant. This variant has been reported in an individual affected with breast and/or ovarian cancer (PMID: 32068069). This variant has been identified in 2/251248 chromosomes in the general population by the Genome Aggregation Database (gnomAD). The available evidence is insufficient to determine the role of this variant in disease conclusively. Therefore, this variant is classified as a Variant of Uncertain Significance.

Literature cited by the submitters: PubMed 32068069 (cited by Labcorp Genetics (formerly Invitae), Labcorp and Color Diagnostics, LLC DBA Color Health).

NM_000059.4(BRCA2):c.8060T>C (p.Val2687Ala)

Gene: BRCA2 (BRCA2 DNA repair associated; plus strand). Cytogenetic location: 13q13.1.
Variant type: single nucleotide variant.
Coding change: c.8060T>C on transcript NM_000059.4 (MANE Select); coding-DNA position 8060, T replaced by C.
Protein change: p.Val2687Ala; replaces valine 2687 with alanine.
Molecular consequence: missense variant.
Genome position (GRCh38, 1-based): chr13:32,363,262, T>C. VCF-style: chr13-32363262-T-C. GRCh37 (hg19) VCF-style: chr13-32937399-T-C.
Other names: short protein forms V2687A.
Identifiers: ClinVar variation 230057 (VCV000230057.19), dbSNP rs374625452, ClinGen allele CA6941185.